The following is an entry in ClinVar:

ClinVar aggregate classification (germline): Uncertain significance (1 of 4 stars; one submission).

Submission:

Labcorp Genetics (formerly Invitae), Labcorp
Classification: Uncertain significance. Last evaluated: 2021-05-19. Review status: criteria provided, single submitter. Criteria: Invitae Variant Classification Sherloc (09022015). Collection method: clinical testing. Allele origin: germline.
Comment: In summary, the available evidence is currently insufficient to determine the role of this variant in disease. Therefore, it has been classified as a Variant of Uncertain Significance. Algorithms developed to predict the effect of missense changes on protein structure and function are either unavailable or do not agree on the potential impact of this missense change (SIFT: "Tolerated"; PolyPhen-2: "Not Available"; Align-GVGD: "Class C0"). This variant has not been reported in the literature in individuals with COL7A1-related conditions. This variant is not present in population databases (ExAC no frequency). This sequence change replaces valine with glycine at codon 1709 of the COL7A1 protein (p.Val1709Gly). The valine residue is moderately conserved and there is a moderate physicochemical difference between valine and glycine.

NM_000094.4(COL7A1):c.5126T>G (p.Val1709Gly)

Gene: COL7A1 (collagen type VII alpha 1 chain; minus strand). Cytogenetic location: 3p21.31.
Variant type: single nucleotide variant.
Coding change: c.5126T>G on transcript NM_000094.4 (MANE Select); coding-DNA position 5126, T replaced by G.
Protein change: p.Val1709Gly; replaces valine 1709 with glycine.
Molecular consequence: missense variant.
Genome position (GRCh38, 1-based): chr3:48,579,813, A>C on the plus strand (T>G on the coding strand, the complement: COL7A1 is on the minus strand). VCF-style: chr3-48579813-A-C. GRCh37 (hg19) VCF-style: chr3-48617246-A-C.
Other names: short protein forms V1709G.
Identifiers: ClinVar variation 1422441 (VCV001422441.7), dbSNP rs2107701216, ClinGen allele CA352678131.
Genomic context (GRCh38, chr3:48,579,813, plus strand): 5'-CTTTCTTACCCTCCACCCACAGACCCTAATACCTTCTCTCTGGCTCCAGGTCCTGTGTCT[A>C]CCTGTGGGGGGAATGACCAGTGAGAAGAATGGCTCAACAAGGGGAAGAGGAGTTGGCGAG-3'
Protein context (NP_000085.1, residues 1699-1719): PGPPGPPGRL[Val1709Gly]DTGPGAREKG